The following is an entry in ClinVar:

ClinVar aggregate classification (germline): Uncertain significance. Review status: criteria provided, multiple submitters, no conflicts (2 of 4 stars). 3 submissions from 3 submitters: Uncertain significance (3). Last evaluated 2025-10-24.

Conditions:
Microcephalic osteodysplastic primordial dwarfism type II (MOPD2). Also called: Microcephalic osteodysplastic primordial dwarfism with tooth abnormalities; MOPD II; OSTEODYSPLASTIC PRIMORDIAL DWARFISM, TYPE II. Identifiers: Orphanet 2637, MedGen C0432246, MONDO:0008872, OMIM 210720.
PCNT-related disorder. Also called: PCNT-related condition.

Allele frequency attached by ClinVar (database versions not stated): TOPMed 0.00002; gnomAD 0.00003; ExAC 0.00008.
gnomAD v4.1: 192 of 1,613,736 alleles (0.012%); highest among the groups gnomAD compares: Non-Finnish European, 0.016%; no homozygotes.

Submissions (3):

PreventionGenetics, part of Exact Sciences
Classification: Uncertain significance for PCNT-related condition. Last evaluated: 2025-10-24. Review status: criteria provided, single submitter. Criteria: ACMG Guidelines, 2015. Collection method: clinical testing. Allele origin: germline.
Comment: The PCNT c.8182C>T variant is predicted to result in the amino acid substitution p.Arg2728Cys. This variant has been reported in two individuals from a family with intracranial aneurysm (Lorenzo-Betancor et al. 2018. PubMed ID: 30413633). This variant has also been reported in an individual with Ehlers-Danlos syndrome (Table S7, Vandersteen et al. 2024. PubMed ID: 37813462). This variant is reported in 0.0086% of alleles in individuals of European (Non-Finnish) descent in gnomAD. At this time, the clinical significance of this variant is uncertain due to the absence of conclusive functional and genetic evidence.

ARUP Laboratories, Molecular Genetics and Genomics, ARUP Laboratories
Classification: Uncertain significance for Microcephalic osteodysplastic primordial dwarfism type II. Last evaluated: 2023-11-09. Review status: criteria provided, single submitter. Criteria: ARUP Molecular Germline Variant Investigation Process 2024. Collection method: clinical testing. Allele origin: germline.
Comment: The PCNT c.8182C>T; p.Arg2728Cys variant (rs762890408) is reported in the literature in two individuals in the same family affected with subarachnoid hemorrhages (Lorenzo-Betancor 2019). This variant is found in the non-Finnish European population with an allele frequency of 0.009% (11/128408 alleles) in the Genome Aggregation Database. Computational analyses are uncertain whether this variant is neutral or deleterious (REVEL: 0.242). Due to limited information, the clinical significance of this variant is uncertain at this time. References: Lorenzo-Betancor O et al. PCNT point mutations and familial intracranial aneurysms. Neurology. 2018 Dec 4;91(23):e2170-e2181. Epub 2018 Nov 9. Erratum in: Neurology. 2019 Jul 30;93(5):231. PMID: 30413633.

Labcorp Genetics (formerly Invitae), Labcorp
Classification: Uncertain significance. Last evaluated: 2022-10-28. Review status: criteria provided, single submitter. Criteria: Invitae Variant Classification Sherloc (09022015). Collection method: clinical testing. Allele origin: germline.
Comment: This sequence change replaces arginine, which is basic and polar, with cysteine, which is neutral and slightly polar, at codon 2728 of the PCNT protein (p.Arg2728Cys). This variant is present in population databases (rs762890408, gnomAD 0.009%). This variant has not been reported in the literature in individuals affected with PCNT-related conditions. Algorithms developed to predict the effect of missense changes on protein structure and function are either unavailable or do not agree on the potential impact of this missense change (SIFT: "Deleterious"; PolyPhen-2: "Possibly Damaging"; Align-GVGD: "Class C0"). In summary, the available evidence is currently insufficient to determine the role of this variant in disease. Therefore, it has been classified as a Variant of Uncertain Significance.

NM_006031.6(PCNT):c.8182C>T (p.Arg2728Cys)

Gene: PCNT (pericentrin; plus strand). Cytogenetic location: 21q22.3.
Variant type: single nucleotide variant.
Coding change: c.8182C>T on transcript NM_006031.6 (MANE Select); coding-DNA position 8182, C replaced by T.
Protein change: p.Arg2728Cys; replaces arginine 2728 with cysteine.
Molecular consequence: missense variant.
Genome position (GRCh38, 1-based): chr21:46,431,646, C>T. VCF-style: chr21-46431646-C-T. GRCh37 (hg19) VCF-style: chr21-47851560-C-T.
Other names: c.7828C>T, p.Arg2610Cys (NM_001315529.2); c.8182C>T (NM_006031.5); short protein forms R2610C, R2728C.
Identifiers: ClinVar variation 2159552 (VCV002159552.5), dbSNP rs762890408, ClinGen allele CA10080911.